The following is an entry in ClinVar:

NM_001365951.3(KIF1B):c.661T>C (p.Phe221Leu)

Gene: KIF1B (kinesin family member 1B; plus strand). Cytogenetic location: 1p36.22.
Variant type: single nucleotide variant.
Coding change: c.661T>C on transcript NM_001365951.3 (MANE Select); coding-DNA position 661, T replaced by C.
Protein change: p.Phe221Leu; replaces phenylalanine 221 with leucine.
Molecular consequence: missense variant.
Genome position (GRCh38, 1-based): chr1:10,268,204, T>C. VCF-style: chr1-10268204-T-C. GRCh37 (hg19) VCF-style: chr1-10328262-T-C.
Other names: c.661T>C, p.Phe221Leu (NM_001365952.1, NM_001365953.1, NM_015074.3 and 1 more transcripts); short protein forms F221L.
Identifiers: ClinVar variation 3864069 (VCV003864069.1).
Genomic context (GRCh38, chr1:10,268,204, plus strand): 5'-TTATTTAGGACAGTGGCAGCTACAAACATGAATGAAACAAGTAGCCGTTCCCACGCTGTG[T>C]TTACGATTGTTTTCACCCAGAAGAAACACGATAATGAGACCAACCTTTCCACTGAGAAGG-3'
Protein context (NP_001352880.1, residues 211-231): NETSSRSHAV[Phe221Leu]TIVFTQKKHD

ClinVar aggregate classification (germline): Uncertain significance (1 of 4 stars; one submission).

Submission:

Ambry Genetics
Classification: Uncertain significance. Last evaluated: 2025-01-13. Review status: criteria provided, single submitter. Criteria: Ambry Variant Classification Scheme 2023. Collection method: clinical testing. Allele origin: germline.
Comment: The p.F221L variant (also known as c.661T>C), located in coding exon 6 of the KIF1B gene, results from a T to C substitution at nucleotide position 661. The phenylalanine at codon 221 is replaced by leucine, an amino acid with highly similar properties. This amino acid position is conserved. In addition, this alteration is predicted to be deleterious by in silico analysis. Based on the available evidence, the clinical significance of this variant remains unclear.